The following is an entry in ClinVar:

NM_002850.4(PTPRS):c.33T>A (p.Ser11=)

Gene: PTPRS (protein tyrosine phosphatase receptor type S; minus strand). Cytogenetic location: 19p13.3.
Variant type: single nucleotide variant.
Coding change: c.33T>A on transcript NM_002850.4 (MANE Select); coding-DNA position 33, T replaced by A.
Protein change: p.Ser11=; no amino-acid change (serine 11 retained).
Molecular consequence: synonymous variant.
Genome position (GRCh38, 1-based): chr19:5,286,108, A>T on the plus strand (T>A on the coding strand, the complement: PTPRS is on the minus strand). VCF-style: chr19-5286108-A-T. GRCh37 (hg19) VCF-style: chr19-5286119-A-T.
Other names: c.33T>A, p.Ser11= (NM_130853.3, NM_130854.3, NM_130855.3).
Identifiers: ClinVar variation 778155 (VCV000778155.30), dbSNP rs61749998, ClinGen allele CA9110887.

ClinVar aggregate classification (germline): Benign. Review status: criteria provided, multiple submitters, no conflicts (2 of 4 stars). 4 submissions from 4 submitters: Benign (3). 1 of the submissions does not count toward it. Last evaluated 2022-08-01.

Conditions:
PTPRS-related disorder. Also called: PTPRS-related condition.

Allele frequency attached by ClinVar (database versions not stated): 1000 Genomes Project 30x 0.00109; 1000 Genomes Project 0.00120; gnomAD 0.00423 and 0.00430; TOPMed 0.00452; ExAC 0.00470; gnomAD exomes 0.00508; ESP Exome Variant Server 0.00584.
gnomAD v4.1: 9,721 of 1,614,146 alleles (0.6%); highest among the groups gnomAD compares: Non-Finnish European, 0.68%; 45 homozygotes.

Submissions (4):

CeGaT Center for Human Genetics Tuebingen
Classification: Benign. Last evaluated: 2022-08-01. Review status: criteria provided, single submitter. Criteria: CeGaT Center For Human Genetics Tuebingen Variant Classification Criteria Version 2. Collection method: clinical testing. Allele origin: germline. Affected: yes. Observed: 3 variant alleles.
Comment: PTPRS: BP4, BP7, BS1, BS2

Labcorp Genetics (formerly Invitae), Labcorp
Classification: Benign. Last evaluated: 2019-12-31. Review status: criteria provided, single submitter. Criteria: Invitae Variant Classification Sherloc (09022015). Collection method: clinical testing. Allele origin: germline.

Breakthrough Genomics
Classification: Benign. Review status: criteria provided, single submitter. Criteria: ACMG Guidelines, 2015. Collection method: not provided. Allele origin: germline. Inheritance: Unknown mechanism. Affected: yes.

PreventionGenetics, part of Exact Sciences
Classification: Benign for PTPRS-related condition. Last evaluated: 2019-02-28. Review status: no assertion criteria provided. Collection method: clinical testing. Allele origin: germline. Not counted in ClinVar's aggregate classification.
Comment: This variant is classified as benign based on ACMG/AMP sequence variant interpretation guidelines (Richards et al. 2015 PMID: 25741868, with internal and published modifications).